The following is an entry in ClinVar:

NM_004727.3(SLC24A1):c.2794G>T (p.Glu932Ter)

Gene: SLC24A1 (solute carrier family 24 member 1; plus strand). Cytogenetic location: 15q22.31.
Variant type: single nucleotide variant.
Coding change: c.2794G>T on transcript NM_004727.3 (MANE Select); coding-DNA position 2794, G replaced by T.
Protein change: p.Glu932Ter; replaces glutamic acid 932 with a stop codon.
Molecular consequence: nonsense. On other transcripts: intron variant (1).
Genome position (GRCh38, 1-based): chr15:65,651,670, G>T. VCF-style: chr15-65651670-G-T. GRCh37 (hg19) VCF-style: chr15-65944008-G-T.
Other names: c.775G>T, p.Glu259Ter (NM_001254740.2); c.2740G>T, p.Glu914Ter (NM_001301032.1, NM_001301033.2); c.2793+728G>T (NM_001301031.1); short protein forms E259*, E914*, E932*.
Identifiers: ClinVar variation 1454862 (VCV001454862.7), dbSNP rs748399766, ClinGen allele CA7620216.
Genomic context (GRCh38, chr15:65,651,670, plus strand): 5'-GGGCCAAAGACCTTTTAACCTCTACAGCTTACTTCTTGTCCTTTTCAAACTTTCAAACAG[G>T]AGTCTAGGAAGTTTTTTGTTTTCACCTTCCTGGGATCTATCATGTGGATAGCCATGTTCT-3'

ClinVar aggregate classification (germline): Pathogenic (1 of 4 stars; one submission).

Allele frequency attached by ClinVar (database versions not stated): gnomAD exomes below 0.00001; gnomAD 0.00001; ExAC 0.00001; TOPMed below 0.00001.
gnomAD v4.1: 6 of 1,552,872 alleles (0.00039%); highest among the groups gnomAD compares: Non-Finnish European, 0.00053%; no homozygotes.

Submissions (2):

Labcorp Genetics (formerly Invitae), Labcorp
Classification: Pathogenic. Last evaluated: 2025-02-10. Review status: criteria provided, single submitter. Criteria: Invitae Variant Classification Sherloc (09022015). Collection method: clinical testing. Allele origin: germline.
Comment: This sequence change creates a premature translational stop signal (p.Glu932*) in the SLC24A1 gene. It is expected to result in an absent or disrupted protein product. Loss-of-function variants in SLC24A1 are known to be pathogenic (PMID: 20850105, 26822852). This variant is present in population databases (rs748399766, gnomAD 0.0009%). This variant has not been reported in the literature in individuals affected with SLC24A1-related conditions. ClinVar contains an entry for this variant (Variation ID: 1454862). Algorithms developed to predict the effect of sequence changes on RNA splicing suggest that this variant may disrupt the consensus splice site. For these reasons, this variant has been classified as Pathogenic.

Dr. Peter K. Rogan Lab, Western University
No classification provided (evidence only). Condition: Malignant tumor of urinary bladder. Review status: no classification provided. Collection method: in vitro. Allele origin: not applicable. Functional consequence: skipped exon. Not counted in ClinVar's aggregate classification.

Literature cited by the submitters: PubMed 20850105 (cited by Labcorp Genetics (formerly Invitae), Labcorp); PubMed 26822852 (cited by Labcorp Genetics (formerly Invitae), Labcorp).